The following is an entry in ClinVar:

ClinVar aggregate classification (germline): Uncertain significance (1 of 4 stars; one submission).

Submission:

Ambry Genetics
Classification: Uncertain significance. Last evaluated: 2024-09-27. Review status: criteria provided, single submitter. Criteria: Ambry Variant Classification Scheme 2023. Collection method: clinical testing. Allele origin: germline.
Comment: The p.S2569F variant (also known as c.7706C>T), located in coding exon 30 of the POLQ gene, results from a C to T substitution at nucleotide position 7706. The serine at codon 2569 is replaced by phenylalanine, an amino acid with highly dissimilar properties. This amino acid position is conserved. In addition, the in silico prediction for this alteration is inconclusive. Based on the available evidence, the clinical significance of this variant remains unclear.

NM_199420.4(POLQ):c.7706C>T (p.Ser2569Phe)

Gene: POLQ (DNA polymerase theta; minus strand). Cytogenetic location: 3q13.33.
Variant type: single nucleotide variant.
Coding change: c.7706C>T on transcript NM_199420.4 (MANE Select); coding-DNA position 7706, C replaced by T.
Protein change: p.Ser2569Phe; replaces serine 2569 with phenylalanine.
Molecular consequence: missense variant.
Genome position (GRCh38, 1-based): chr3:121,432,371, G>A on the plus strand (C>T on the coding strand, the complement: POLQ is on the minus strand). VCF-style: chr3-121432371-G-A. GRCh37 (hg19) VCF-style: chr3-121151218-G-A.
Other names: short protein forms S2569F.
Identifiers: ClinVar variation 3422572 (VCV003422572.1).
Genomic context (GRCh38, chr3:121,432,371, plus strand): 5'-TCAAAGTCCTTTAGCTCTCCCCAGCTGGCGCCTATTTTCACTTTCACTTTCAATTTCACA[G>A]ACAGTTTTACAGCACTTTCCATTTCATTCTTGACAATCTGAGCTACCTAAGGAAAAAAAA-3'
Protein context (NP_955452.3, residues 2559-2579): KNEMESAVKL[Ser2569Phe]VKLKVKVKIG